The following is an entry in ClinVar:

NM_000186.4(CFH):c.576T>G (p.Cys192Trp)

Gene: CFH (complement factor H; plus strand). Cytogenetic location: 1q31.3.
Variant type: single nucleotide variant.
Coding change: c.576T>G on transcript NM_000186.4 (MANE Select); coding-DNA position 576, T replaced by G.
Protein change: p.Cys192Trp; replaces cysteine 192 with tryptophan.
Molecular consequence: missense variant.
Genome position (GRCh38, 1-based): chr1:196,677,624, T>G. VCF-style: chr1-196677624-T-G. GRCh37 (hg19) VCF-style: chr1-196646754-T-G.
Other names: c.576T>G, p.Cys192Trp (NM_001014975.3); short protein forms C192W.
Identifiers: ClinVar variation 4291301 (VCV004291301.2).

ClinVar aggregate classification (germline): Uncertain significance (1 of 4 stars; one submission).

Conditions:
Factor H deficiency (CFHD). Also called: COMPLEMENT FACTOR H DEFICIENCY; CFH DEFICIENCY. Identifiers: Orphanet 200421, MedGen C0398777, MONDO:0012350, OMIM 609814.

Submission:

Genomenon, Inc
Classification: Uncertain significance for Factor H deficiency. Last evaluated: 2026-09-17. Review status: criteria provided, single submitter. Criteria: Genomenon Sequence Variant Interpretation Standards - Updated. Collection method: curation. Allele origin: germline. Affected: yes.
Comment: CFH p.Cys192Trp (c.576T>G) is a missense variant that changes the amino acid at codon 192 from cysteine to tryptophan. This variant has been observed in at least one proband affected with complement factor H deficiency (PMID: 28941939). Functional studies have been reported (PMID: 28941939). It is absent or not present at a significant frequency in gnomAD. In silico models predict that this variant is possibly or probably damaging. In conclusion, we classify CFH p.Cys192Trp (c.576T>G) as a variant of uncertain significance.

Literature cited by the submitters: PubMed 28941939.